The following is an entry in ClinVar:

NM_002272.4(KRT4):c.1203C>T (p.Arg401=)

Gene: KRT4 (keratin 4; minus strand). Cytogenetic location: 12q13.13.
Variant type: single nucleotide variant.
Coding change: c.1203C>T on transcript NM_002272.4 (MANE Select); coding-DNA position 1203, C replaced by T.
Protein change: p.Arg401=; no amino-acid change (arginine 401 retained).
Molecular consequence: synonymous variant.
Genome position (GRCh38, 1-based): chr12:52,807,787, G>A on the plus strand (C>T on the coding strand, the complement: KRT4 is on the minus strand). VCF-style: chr12-52807787-G-A. GRCh37 (hg19) VCF-style: chr12-53201571-G-A.
Identifiers: ClinVar variation 309673 (VCV000309673.6), dbSNP rs199607128, ClinGen allele CA6588471.

ClinVar aggregate classification (germline): Benign/Likely benign. Review status: criteria provided, multiple submitters, no conflicts (2 of 4 stars). 2 submissions from 2 submitters: Benign (1); Likely benign (1). Last evaluated 2024-10-23.

Conditions:
White sponge nevus 1. Also called: LEUKOKERATOSIS, HEREDITARY MUCOSAL. Identifiers: MedGen C4011926, MONDO:0008676, OMIM 193900.

Allele frequency attached by ClinVar (database versions not stated): 1000 Genomes Project 30x 0.00031; 1000 Genomes Project 0.00040; ExAC 0.00063; gnomAD exomes 0.00077 and 0.00144; TOPMed 0.00097; ESP Exome Variant Server 0.00100; gnomAD 0.00103 and 0.00104.

Submissions (2):

Blueprint Genetics
Classification: Likely benign. Last evaluated: 2024-10-23. Review status: criteria provided, single submitter. Criteria: ACMG Guidelines, 2015. Collection method: clinical testing. Allele origin: germline.

Illumina Laboratory Services, Illumina
Classification: Benign for White sponge nevus 1. Last evaluated: 2018-01-12. Review status: criteria provided, single submitter. Criteria: ICSL Variant Classification Criteria 13 December 2019. Collection method: clinical testing. Allele origin: germline.
Comment: This variant was observed in the ICSL laboratory as part of a predisposition screen in an ostensibly healthy population. It had not been previously curated by ICSL or reported in the Human Gene Mutation Database (HGMD: prior to June 1st, 2018), and was therefore a candidate for classification through an automated scoring system. Utilizing variant allele frequency, disease prevalence and penetrance estimates, and inheritance mode, an automated score was calculated to assess if this variant is too frequent to cause the disease. Based on the score and internal cut-off values, a variant classified as benign is not then subjected to further curation. The score for this variant resulted in a classification of benign for this disease.